The following is an entry in ClinVar:

ClinVar aggregate classification (germline): Conflicting classifications of pathogenicity. Review status: criteria provided, conflicting classifications (1 of 4 stars). 3 submissions from 3 submitters: Uncertain significance (1); Likely benign (2). Last evaluated 2026-01-20.

Conditions:
COL2A1-related disorder. Also called: COL2A1-related condition; COL2A1-related disorders.

Allele frequency attached by ClinVar (database versions not stated): gnomAD exomes below 0.00001; ExAC 0.00001; ESP Exome Variant Server 0.00008.
gnomAD v4.1: 25 of 1,613,770 alleles (0.0015%); highest among the groups gnomAD compares: East Asian, 0.0067%; no homozygotes.

Submissions (3):

Labcorp Genetics (formerly Invitae), Labcorp
Classification: Likely benign. Last evaluated: 2026-01-20. Review status: criteria provided, single submitter. Criteria: Invitae Variant Classification Sherloc (09022015). Collection method: clinical testing. Allele origin: germline.

PreventionGenetics, part of Exact Sciences
Classification: Uncertain significance for COL2A1-related condition. Last evaluated: 2025-07-03. Review status: criteria provided, single submitter. Criteria: ACMG Guidelines, 2015. Collection method: clinical testing. Allele origin: germline.
Comment: The COL2A1 c.2999C>T variant is predicted to result in the amino acid substitution p.Pro1000Leu. To our knowledge, this variant has not been reported in the literature. This variant is reported in 0.0080% of alleles in individuals of African descent in gnomAD. At this time, the clinical significance of this variant is uncertain due to the absence of conclusive functional and genetic evidence.

Blueprint Genetics
Classification: Likely benign. Last evaluated: 2022-09-30. Review status: criteria provided, single submitter. Criteria: ACMG Guidelines, 2015. Collection method: clinical testing. Allele origin: germline.

NM_001844.5(COL2A1):c.2999C>T (p.Pro1000Leu)

Gene: COL2A1 (collagen type II alpha 1 chain; minus strand). Cytogenetic location: 12q13.11.
Variant type: single nucleotide variant.
Coding change: c.2999C>T on transcript NM_001844.5 (MANE Select); coding-DNA position 2999, C replaced by T.
Protein change: p.Pro1000Leu; replaces proline 1000 with leucine.
Molecular consequence: missense variant.
Genome position (GRCh38, 1-based): chr12:47,978,295, G>A on the plus strand (C>T on the coding strand, the complement: COL2A1 is on the minus strand). VCF-style: chr12-47978295-G-A. GRCh37 (hg19) VCF-style: chr12-48372078-G-A.
Other names: c.2999C>T (NM_001844.4); c.2792C>T, p.Pro931Leu (NM_033150.3); short protein forms P931L, P1000L.
Identifiers: ClinVar variation 1504320 (VCV001504320.10), dbSNP rs149321146, ClinGen allele CA6534934.